The following is an entry in ClinVar:

ClinVar aggregate classification (germline): Uncertain significance (1 of 4 stars; one submission).

Conditions:
Hereditary cancer-predisposing syndrome. Also called: Neoplastic Syndromes, Hereditary; Tumor predisposition; Hereditary Cancer Syndrome; Hereditary neoplastic syndrome. Identifiers: Orphanet 140162, MedGen C0027672, MeSH D009386, MONDO:0015356.

Submission:

Ambry Genetics
Classification: Uncertain significance for Hereditary cancer-predisposing syndrome. Last evaluated: 2019-09-11. Review status: criteria provided, single submitter. Criteria: Ambry Variant Classification Scheme 2023. Collection method: clinical testing. Allele origin: germline.
Comment: The p.F672C variant (also known as c.2015T>G), located in coding exon 11 of the BARD1 gene, results from a T to G substitution at nucleotide position 2015. The phenylalanine at codon 672 is replaced by cysteine, an amino acid with highly dissimilar properties. This amino acid position is highly conserved in available vertebrate species. In addition, this alteration is predicted to be deleterious by in silico analysis. Since supporting evidence is limited at this time, the clinical significance of this alteration remains unclear.

NM_000465.4(BARD1):c.2015T>G (p.Phe672Cys)

Gene: BARD1 (BRCA1 associated RING domain 1; minus strand). Cytogenetic location: 2q35.
Variant type: single nucleotide variant.
Coding change: c.2015T>G on transcript NM_000465.4 (MANE Select); coding-DNA position 2015, T replaced by G.
Protein change: p.Phe672Cys; replaces phenylalanine 672 with cysteine.
Molecular consequence: missense variant. On other transcripts: non-coding transcript variant (3).
Genome position (GRCh38, 1-based): chr2:214,728,995, A>C on the plus strand (T>G on the coding strand, the complement: BARD1 is on the minus strand). VCF-style: chr2-214728995-A-C. GRCh37 (hg19) VCF-style: chr2-215593719-A-C.
Other names: c.1958T>G, p.Phe653Cys (NM_001282543.2); c.662T>G, p.Phe221Cys (NM_001282545.2); c.605T>G, p.Phe202Cys (NM_001282548.2); c.476T>G, p.Phe159Cys (NM_001282549.2); short protein forms F159C, F202C, F221C, F653C, F672C.
Identifiers: ClinVar variation 820523 (VCV000820523.4), dbSNP rs786203617, ClinGen allele CA350450803.